The following is an entry in ClinVar:

ClinVar aggregate classification (germline): Uncertain significance. Review status: criteria provided, multiple submitters, no conflicts (2 of 4 stars). 4 submissions from 4 submitters: Uncertain significance (4). Last evaluated 2024-06-13.

Conditions:
Von Hippel-Lindau syndrome (VHLS). Also called: Von Hippel-Lindau; von Hippel–Lindau syndrome; VHL syndrome. Identifiers: Orphanet 892, MedGen C0019562, MONDO:0008667, OMIM 193300. Disease mechanism: loss of function.
Chuvash polycythemia. Also called: POLYCYTHEMIA, VHL-DEPENDENT. Identifiers: Orphanet 238557, MedGen C1837915, MONDO:0009892, OMIM 263400.
Hereditary cancer-predisposing syndrome. Also called: Hereditary Cancer Syndrome; Hereditary neoplastic syndrome; Tumor predisposition; Neoplastic Syndromes, Hereditary. Identifiers: Orphanet 140162, MedGen C0027672, MeSH D009386, MONDO:0015356.

Allele frequency attached by ClinVar (database versions not stated): gnomAD 0.00001; TOPMed 0.00001.

Submissions (4):

Labcorp Genetics (formerly Invitae), Labcorp
Classification: Uncertain significance for Von Hippel-Lindau syndrome; Chuvash polycythemia. Last evaluated: 2024-06-13. Review status: criteria provided, single submitter. Criteria: Invitae Variant Classification Sherloc (09022015). Collection method: clinical testing. Allele origin: germline.
Comment: This sequence change replaces glycine, which is neutral and non-polar, with aspartic acid, which is acidic and polar, at codon 39 of the VHL protein (p.Gly39Asp). This variant is not present in population databases (gnomAD no frequency). This variant has not been reported in the literature in individuals affected with VHL-related conditions. ClinVar contains an entry for this variant (Variation ID: 456570). Advanced modeling of protein sequence and biophysical properties (such as structural, functional, and spatial information, amino acid conservation, physicochemical variation, residue mobility, and thermodynamic stability) performed at Invitae indicates that this missense variant is not expected to disrupt VHL protein function with a negative predictive value of 95%. In summary, the available evidence is currently insufficient to determine the role of this variant in disease. Therefore, it has been classified as a Variant of Uncertain Significance.

GeneDx
Classification: Uncertain significance. Last evaluated: 2024-03-10. Review status: criteria provided, single submitter. Criteria: GeneDx Variant Classification Process June 2021. Collection method: clinical testing. Allele origin: germline. Affected: yes.
Comment: Not observed at significant frequency in large population cohorts (gnomAD); In silico analysis supports that this missense variant does not alter protein structure/function; Has not been previously published as pathogenic or benign to our knowledge; This variant is associated with the following publications: (PMID: 32090079)

All of Us Research Program, National Institutes of Health
Classification: Uncertain significance for Von Hippel-Lindau syndrome. Last evaluated: 2023-12-01. Review status: criteria provided, single submitter. Criteria: ACMG Guidelines, 2015. Collection method: clinical testing. Allele origin: germline. Inheritance: Autosomal dominant inheritance. Observed: 1 variant allele, 1 heterozygote.
Comment: This study involves interpretation of variants in research participants for the purpose of population health screening. Participant phenotype was not available at the time of variant classification. Additional details can be found in publication PMID: 35346344, PMCID: PMC8962531

Ambry Genetics
Classification: Uncertain significance for Hereditary cancer-predisposing syndrome. Last evaluated: 2023-03-06. Review status: criteria provided, single submitter. Criteria: Ambry Variant Classification Scheme 2023. Collection method: clinical testing. Allele origin: germline.
Comment: The p.G39D variant (also known as c.116G>A), located in coding exon 1 of the VHL gene, results from a G to A substitution at nucleotide position 116. The glycine at codon 39 is replaced by aspartic acid, an amino acid with similar properties. This amino acid position is not well conserved in available vertebrate species. In addition, this alteration is predicted to be tolerated by in silico analysis. Since supporting evidence is limited at this time, the clinical significance of this alteration remains unclear.

NM_000551.4(VHL):c.116G>A (p.Gly39Asp)

Gene: VHL (von Hippel-Lindau tumor suppressor; plus strand). Cytogenetic location: 3p25.3.
Variant type: single nucleotide variant.
Coding change: c.116G>A on transcript NM_000551.4 (MANE Select); coding-DNA position 116, G replaced by A.
Protein change: p.Gly39Asp; replaces glycine 39 with aspartic acid.
Molecular consequence: missense variant.
Genome position (GRCh38, 1-based): chr3:10,141,963, G>A. VCF-style: chr3-10141963-G-A. GRCh37 (hg19) VCF-style: chr3-10183647-G-A.
Other names: c.116G>A, p.Gly39Asp (NM_001354723.2, NM_198156.3); short protein forms G39D.
Identifiers: ClinVar variation 456570 (VCV000456570.15), dbSNP rs368473853, ClinGen allele CA351747884.